The following is an entry in ClinVar:

NM_153603.4(COG7):c.802G>T (p.Ala268Ser)

Gene: COG7 (component of oligomeric golgi complex 7; minus strand). Cytogenetic location: 16p12.2.
Variant type: single nucleotide variant.
Coding change: c.802G>T on transcript NM_153603.4 (MANE Select); coding-DNA position 802, G replaced by T.
Protein change: p.Ala268Ser; replaces alanine 268 with serine.
Molecular consequence: missense variant.
Genome position (GRCh38, 1-based): chr16:23,433,553, C>A on the plus strand (G>T on the coding strand, the complement: COG7 is on the minus strand). VCF-style: chr16-23433553-C-A. GRCh37 (hg19) VCF-style: chr16-23444874-C-A.
Other names: short protein forms A268S.
Identifiers: ClinVar variation 2071988 (VCV002071988.4), dbSNP rs1963966147, ClinGen allele CA395114815.

ClinVar aggregate classification (germline): Uncertain significance (1 of 4 stars; one submission).

Conditions:
COG7 congenital disorder of glycosylation (CDG2E). Also called: CONGENITAL DISORDER OF GLYCOSYLATION, TYPE IIe; CDG IIe. Identifiers: Orphanet 79333, MedGen C2931010, MONDO:0012118, OMIM 608779.

Allele frequency attached by ClinVar (database versions not stated): TOPMed below 0.00001.

Submission:

Labcorp Genetics (formerly Invitae), Labcorp
Classification: Uncertain significance for COG7 congenital disorder of glycosylation. Last evaluated: 2022-06-22. Review status: criteria provided, single submitter. Criteria: Invitae Variant Classification Sherloc (09022015). Collection method: clinical testing. Allele origin: germline.
Comment: This variant has not been reported in the literature in individuals affected with COG7-related conditions. This variant is not present in population databases (gnomAD no frequency). This sequence change replaces alanine, which is neutral and non-polar, with serine, which is neutral and polar, at codon 268 of the COG7 protein (p.Ala268Ser). Algorithms developed to predict the effect of missense changes on protein structure and function output the following: SIFT: "Tolerated"; PolyPhen-2: "Benign"; Align-GVGD: "Class C0". The serine amino acid residue is found in multiple mammalian species, which suggests that this missense change does not adversely affect protein function. In summary, the available evidence is currently insufficient to determine the role of this variant in disease. Therefore, it has been classified as a Variant of Uncertain Significance.